The following is an entry in ClinVar:

NM_006397.3(RNASEH2A):c.550G>A (p.Val184Met)

Gene: RNASEH2A (ribonuclease H2 subunit A; plus strand). Cytogenetic location: 19p13.13.
Variant type: single nucleotide variant.
Coding change: c.550G>A on transcript NM_006397.3 (MANE Select); coding-DNA position 550, G replaced by A.
Protein change: p.Val184Met; replaces valine 184 with methionine.
Molecular consequence: missense variant.
Genome position (GRCh38, 1-based): chr19:12,810,317, G>A. VCF-style: chr19-12810317-G-A. GRCh37 (hg19) VCF-style: chr19-12921131-G-A.
Other names: short protein forms V184M.
Identifiers: ClinVar variation 1482805 (VCV001482805.5), dbSNP rs777679893, ClinGen allele CA9231954.

ClinVar aggregate classification (germline): Uncertain significance (1 of 4 stars; one submission).

Conditions:
Aicardi-Goutieres syndrome 4. Identifiers: Orphanet 51, MedGen C1835912, MONDO:0012472, OMIM 610333.

Allele frequency attached by ClinVar (database versions not stated): gnomAD exomes below 0.00001 and 0.00002; ExAC 0.00001; gnomAD 0.00001.
gnomAD v4.1: 31 of 1,614,052 alleles (0.0019%); highest among the groups gnomAD compares: Non-Finnish European, 0.0025%; no homozygotes.

Submission:

Labcorp Genetics (formerly Invitae), Labcorp
Classification: Uncertain significance for Aicardi-Goutieres syndrome 4. Last evaluated: 2022-08-05. Review status: criteria provided, single submitter. Criteria: Invitae Variant Classification Sherloc (09022015). Collection method: clinical testing. Allele origin: germline.
Comment: This sequence change replaces valine, which is neutral and non-polar, with methionine, which is neutral and non-polar, at codon 184 of the RNASEH2A protein (p.Val184Met). This variant is present in population databases (rs777679893, gnomAD 0.002%). This variant has not been reported in the literature in individuals affected with RNASEH2A-related conditions. ClinVar contains an entry for this variant (Variation ID: 1482805). Algorithms developed to predict the effect of missense changes on protein structure and function are either unavailable or do not agree on the potential impact of this missense change (SIFT: "Deleterious"; PolyPhen-2: "Probably Damaging"; Align-GVGD: "Class C15"). In summary, the available evidence is currently insufficient to determine the role of this variant in disease. Therefore, it has been classified as a Variant of Uncertain Significance.